The following is an entry in ClinVar:

NM_000548.5(TSC2):c.2564del (p.His855fs)

Gene: TSC2 (TSC complex subunit 2; plus strand). Cytogenetic location: 16p13.3.
Variant type: Deletion.
Coding change: c.2564del on transcript NM_000548.5 (MANE Select); coding-DNA position 2564, one base deleted (A; older notation c.2564delA).
Protein change: p.His855fs; shifts the reading frame from histidine 855.
Molecular consequence: frameshift variant. On other transcripts: non-coding transcript variant (5).
Genome position (GRCh38, 1-based): chr16:2,075,817, A deleted. VCF-style (leftmost placement, unchanged base first): chr16-2075816-CA-C. GRCh37 (hg19) VCF-style: chr16-2125817-CA-C.
Other names: c.2453del, p.His818fs (NM_001318827.2, NM_001406670.1, NM_001406678.1); c.2417del, p.His806fs (NM_001318829.2, NM_001406675.1, NM_001406676.1 and 1 more transcripts); c.1964del, p.His655fs (NM_001318831.2, NM_001406680.1, NM_001406682.1 and 6 more transcripts); c.2597del, p.His866fs (NM_001318832.2); c.2564del, p.His855fs (NM_001363528.2, NM_001370404.1, NM_001370405.1 and 6 more transcripts); c.2654del, p.His885fs (NM_001406667.1, NM_001406668.1); c.2552del, p.His851fs (NM_001406671.1, NM_001406673.1); c.2507del, p.His836fs (NM_001406677.1); and 3 more; short protein forms H806fs, H836fs, H655fs, H818fs, H851fs, H855fs, H885fs, H321fs.
Identifiers: ClinVar variation 3653019 (VCV003653019.2).
Genomic context (GRCh38, chr16:2,075,816, plus strand): 5'-CACGGGACCCCGGCTCCCCTGACCACCCTCTCCATTACCGCAGCTCTGGCCAGGCTGCCG[CA>C]CCTCTACAGGAACTTTGCCGCGGAGCAGTATGCCAGTGTGTTCGCCATCTCCCTGCCGTA-3'

ClinVar aggregate classification (germline): Pathogenic (1 of 4 stars; one submission).

Conditions:
Tuberous sclerosis 2 (TSC2). Identifiers: Orphanet 805, MedGen C1860707, MONDO:0013199, OMIM 613254.

Submission:

Labcorp Genetics (formerly Invitae), Labcorp
Classification: Pathogenic for Tuberous sclerosis 2. Last evaluated: 2024-05-11. Review status: criteria provided, single submitter. Criteria: Invitae Variant Classification Sherloc (09022015). Collection method: clinical testing. Allele origin: germline.
Comment: This sequence change creates a premature translational stop signal (p.His855Profs*39) in the TSC2 gene. It is expected to result in an absent or disrupted protein product. Loss-of-function variants in TSC2 are known to be pathogenic (PMID: 10205261, 17304050). This variant is not present in population databases (gnomAD no frequency). This variant has not been reported in the literature in individuals affected with TSC2-related conditions. For these reasons, this variant has been classified as Pathogenic.

Literature cited by the submitters: PubMed 10205261; PubMed 17304050.